The following is an entry in ClinVar:

NM_000138.5(FBN1):c.7140C>A (p.Phe2380Leu)

Gene: FBN1 (fibrillin 1; minus strand). Cytogenetic location: 15q21.1.
Variant type: single nucleotide variant.
Coding change: c.7140C>A on transcript NM_000138.5 (MANE Select); coding-DNA position 7140, C replaced by A.
Protein change: p.Phe2380Leu; replaces phenylalanine 2380 with leucine.
Molecular consequence: missense variant.
Genome position (GRCh38, 1-based): chr15:48,427,631, G>T on the plus strand (C>A on the coding strand, the complement: FBN1 is on the minus strand). VCF-style: chr15-48427631-G-T. GRCh37 (hg19) VCF-style: chr15-48719828-G-T.
Other names: short protein forms F2380L.
Identifiers: ClinVar variation 1171698 (VCV001171698.3), dbSNP rs2141228892, ClinGen allele CA392329507.
Genomic context (GRCh38, chr15:48,427,631, plus strand): 5'-TCCATTGGTCATGAATCCTCGGCCATGGGGACAGAGTTTCTTGAAAGCCACAGTCCCCTG[G>T]AAAGGGCAGATCTCACAGTGGGGACCCCAGCCTCTCCCTCCGTCACAGCAGCATTCCGAT-3'
Protein context (NP_000129.3, residues 2370-2390): GWGPHCEICP[Phe2380Leu]QGTVAFKKLC

ClinVar aggregate classification (germline): Uncertain significance (1 of 4 stars; one submission).

Conditions:
Familial thoracic aortic aneurysm and aortic dissection (TAAD). Also called: Thoracic aortic aneurysms and dissections. Identifiers: Orphanet 91387, MedGen C4707243, MONDO:0019625.

Submission:

Color Diagnostics, LLC DBA Color Health
Classification: Uncertain significance for Familial thoracic aortic aneurysm and aortic dissection. Last evaluated: 2024-03-06. Review status: criteria provided, single submitter. Criteria: ACMG Guidelines, 2015. Collection method: clinical testing. Allele origin: germline.
Comment: This missense variant replaces phenylalanine with leucine at codon 2380 of the FBN1 protein. Computational prediction suggests that this variant may not impact protein structure and function (internally defined REVEL score threshold <= 0.5, PMID: 27666373). To our knowledge, functional studies have not been reported for this variant. This variant has not been reported in individuals affected with cardiovascular disorders in the literature. This variant has not been identified in the general population by the Genome Aggregation Database (gnomAD). The available evidence is insufficient to determine the role of this variant in disease conclusively. Therefore, this variant is classified as a Variant of Uncertain Significance.